The following is an entry in ClinVar:

NC_000002.11:g.(15468437_15470721)_(15496541_15506703)dup

Gene: NBAS (NBAS subunit of NRZ tethering complex; minus strand). Cytogenetic location: 2p24.3.
Variant type: Duplication.
Identifiers: ClinVar variation 2429257 (VCV002429257.3).

ClinVar aggregate classification (germline): Likely pathogenic (1 of 4 stars; one submission).

Conditions:
Acute infantile liver failure due to synthesis defect of mtDNA-encoded proteins. Also called: LIVER FAILURE, INFANTILE, TRANSIENT; Liver failure acute infantile; TRMU Deficiency. Identifiers: Orphanet 217371, MedGen C3278664, MONDO:0013111, OMIM 613070.

Submission:

Women's Health and Genetics/Laboratory Corporation of America, LabCorp
Classification: Likely pathogenic for Acute infantile liver failure due to synthesis defect of mtDNA-encoded proteins. Last evaluated: 2023-01-06. Review status: criteria provided, single submitter. Criteria: LabCorp Variant Classification Summary - May 2015. Collection method: clinical testing. Allele origin: germline.
Comment: Variant summary: The variant identified by MLPA or other technology involves the duplication of exons 33-36 in the NBAS gene. A presumed nomenclature of c.(3817+1_3818-1)_(4347+1_4348-1)dup has been designated for the purposes of this classification. It has been assumed that this is a tandem duplication in direct orientation (Richardson_GIM_2018, Newman_AJHG_2015). Although exact breakpoints of this duplication are not known, it is expected to result in a frameshift in the NBAS gene. The variant was absent in 21694 control chromosomes in the gnomAD database (structural variants data set). To our knowledge, no occurrence of c.(3817+1_3818-1)_(4347+1_4348-1)dup in individuals affected with Liver Failure Acute Infantile, Type 2 and no experimental evidence demonstrating its impact on protein function have been reported. No clinical diagnostic laboratories have submitted clinical-significance assessments for this variant to ClinVar after 2014. Based on the evidence outlined above, the variant was classified as likely pathogenic.